The following is an entry in ClinVar:

ClinVar aggregate classification (germline): Uncertain significance (1 of 4 stars; one submission).

Conditions:
Hereditary cancer-predisposing syndrome. Also called: Hereditary neoplastic syndrome; Neoplastic Syndromes, Hereditary; Tumor predisposition; Hereditary Cancer Syndrome. Identifiers: Orphanet 140162, MedGen C0027672, MeSH D009386, MONDO:0015356.

Submission:

Ambry Genetics
Classification: Uncertain significance for Hereditary cancer-predisposing syndrome. Last evaluated: 2025-03-12. Review status: criteria provided, single submitter. Criteria: Ambry Variant Classification Scheme 2023. Collection method: clinical testing. Allele origin: germline.
Comment: The p.R322L variant (also known as c.965G>T), located in coding exon 4 of the BARD1 gene, results from a G to T substitution at nucleotide position 965. The arginine at codon 322 is replaced by leucine, an amino acid with dissimilar properties. This amino acid position is not well conserved in available vertebrate species. In addition, this alteration is predicted to be tolerated by in silico analysis. Based on the available evidence, the clinical significance of this variant remains unclear.

NM_000465.4(BARD1):c.965G>T (p.Arg322Leu)

Gene: BARD1 (BRCA1 associated RING domain 1; minus strand). Cytogenetic location: 2q35.
Variant type: single nucleotide variant.
Coding change: c.965G>T on transcript NM_000465.4 (MANE Select); coding-DNA position 965, G replaced by T.
Protein change: p.Arg322Leu; replaces arginine 322 with leucine.
Molecular consequence: missense variant. On other transcripts: non-coding transcript variant (2), intron variant (3).
Genome position (GRCh38, 1-based): chr2:214,780,909, C>A on the plus strand (G>T on the coding strand, the complement: BARD1 is on the minus strand). VCF-style: chr2-214780909-C-A. GRCh37 (hg19) VCF-style: chr2-215645633-C-A.
Other names: c.908G>T, p.Arg303Leu (NM_001282543.2); c.159-28354G>T (NM_001282548.2); c.215+16152G>T (NM_001282545.2); c.364+11388G>T (NM_001282549.2); short protein forms R303L, R322L.
Identifiers: ClinVar variation 3820716 (VCV003820716.1).